The following is an entry in ClinVar:

NM_004656.4(BAP1):c.1297G>A (p.Ala433Thr)

Gene: BAP1 (BRCA1 associated deubiquitinase 1; minus strand). Cytogenetic location: 3p21.1.
Variant type: single nucleotide variant.
Coding change: c.1297G>A on transcript NM_004656.4 (MANE Select); coding-DNA position 1297, G replaced by A.
Protein change: p.Ala433Thr; replaces alanine 433 with threonine.
Molecular consequence: missense variant.
Genome position (GRCh38, 1-based): chr3:52,403,848, C>T on the plus strand (G>A on the coding strand, the complement: BAP1 is on the minus strand). VCF-style: chr3-52403848-C-T. GRCh37 (hg19) VCF-style: chr3-52437864-C-T.
Other names: c.1297G>A (LRG_529t1); short protein forms A433T.
Identifiers: ClinVar variation 489611 (VCV000489611.12), dbSNP rs1553644988, ClinGen allele CA353102275.
Genomic context (GRCh38, chr3:52,403,848, plus strand): 5'-TGAGCTTCTCAGCCAAGACGTTGATGGTGTTGGGCTGCAGCACTGACAGTTGCCCATCAG[C>T]AGAACCGCTCAATGCCCCTGGCTTCCCTGTTCCCTTCCCCTTATACCTGTGGGGCCCGAG-3'
Protein context (NP_004647.1, residues 423-443): TGKPGALSGS[Ala433Thr]DGQLSVLQPN

ClinVar aggregate classification (germline): Uncertain significance. Review status: criteria provided, multiple submitters, no conflicts (2 of 4 stars). 3 submissions from 3 submitters: Uncertain significance (3). Last evaluated 2025-11-02.

Conditions:
BAP1-related tumor predisposition syndrome (TPDS1). Also called: Tumor susceptibility linked to germline BAP1 mutations; BAP1 tumor predisposition syndrome; COMMON Syndrome; TUMOR PREDISPOSITION SYNDROME 1. Identifiers: Orphanet 289539, MedGen C3280492, MONDO:0013692, OMIM 614327.
Hereditary cancer-predisposing syndrome. Also called: Hereditary Cancer Syndrome; Neoplastic Syndromes, Hereditary; Tumor predisposition; Hereditary neoplastic syndrome. Identifiers: Orphanet 140162, MedGen C0027672, MeSH D009386, MONDO:0015356.

Allele frequency attached by ClinVar (database versions not stated): gnomAD exomes below 0.00001; TOPMed below 0.00001.
gnomAD v4.1: 1 of 1,614,136 alleles (0.000062%); highest among the groups gnomAD compares: Non-Finnish European, 0.000085%; no homozygotes.

Submissions (3):

Labcorp Genetics (formerly Invitae), Labcorp
Classification: Uncertain significance for BAP1-related tumor predisposition syndrome. Last evaluated: 2025-11-02. Review status: criteria provided, single submitter. Criteria: Invitae Variant Classification Sherloc (09022015). Collection method: clinical testing. Allele origin: germline.
Comment: This sequence change replaces alanine, which is neutral and non-polar, with threonine, which is neutral and polar, at codon 433 of the BAP1 protein (p.Ala433Thr). This variant is not present in population databases (gnomAD no frequency). This variant has not been reported in the literature in individuals affected with BAP1-related conditions. ClinVar contains an entry for this variant (Variation ID: 489611). An algorithm developed to predict the effect of missense changes on protein structure and function (PolyPhen-2) suggests that this variant is likely to be tolerated. In summary, the available evidence is currently insufficient to determine the role of this variant in disease. Therefore, it has been classified as a Variant of Uncertain Significance.

Color Diagnostics, LLC DBA Color Health
Classification: Uncertain significance for Hereditary cancer-predisposing syndrome. Last evaluated: 2023-12-05. Review status: criteria provided, single submitter. Criteria: ACMG Guidelines, 2015. Collection method: clinical testing. Allele origin: germline.
Comment: This missense variant replaces alanine with threonine at codon 433 of the BAP1 protein. Computational prediction suggests that this variant may not impact protein structure and function (internally defined REVEL score threshold <= 0.5, PMID: 27666373). To our knowledge, functional studies have not been reported for this variant. This variant has not been reported in individuals affected with BAP1-related disorders in the literature. This variant has not been identified in the general population by the Genome Aggregation Database (gnomAD). The available evidence is insufficient to determine the role of this variant in disease conclusively. Therefore, this variant is classified as a Variant of Uncertain Significance.

Ambry Genetics
Classification: Uncertain significance for Hereditary cancer-predisposing syndrome. Last evaluated: 2023-08-29. Review status: criteria provided, single submitter. Criteria: Ambry Variant Classification Scheme 2023. Collection method: clinical testing. Allele origin: germline.
Comment: The p.A433T variant (also known as c.1297G>A), located in coding exon 13 of the BAP1 gene, results from a G to A substitution at nucleotide position 1297. The alanine at codon 433 is replaced by threonine, an amino acid with similar properties. This amino acid position is conserved. In addition, this alteration is predicted to be tolerated by in silico analysis. Since supporting evidence is limited at this time, the clinical significance of this alteration remains unclear.